The following is an entry in ClinVar:

ClinVar aggregate classification (germline): Uncertain significance. Review status: criteria provided, multiple submitters, no conflicts (2 of 4 stars). 2 submissions from 2 submitters: Uncertain significance (2). Last evaluated 2024-04-04.

Conditions:
Complement component 5 deficiency. Also called: C5 DEFICIENCY. Identifiers: MedGen C0343047, MONDO:0012295, OMIM 609536.

Allele frequency attached by ClinVar (database versions not stated): gnomAD 0.00001; gnomAD exomes 0.00003; TOPMed 0.00003; ExAC 0.00005.
gnomAD v4.1: 44 of 1,613,724 alleles (0.0027%); highest among the groups gnomAD compares: Non-Finnish European, 0.00068%; no homozygotes.

Submissions (2):

Genomic Medicine Center of Excellence, King Faisal Specialist Hospital and Research Centre
Classification: Uncertain significance for Complement component 5 deficiency. Last evaluated: 2024-04-04. Review status: criteria provided, single submitter. Criteria: ACMG Guidelines, 2015. Collection method: clinical testing. Allele origin: germline.

Labcorp Genetics (formerly Invitae), Labcorp
Classification: Uncertain significance. Last evaluated: 2022-10-05. Review status: criteria provided, single submitter. Criteria: Invitae Variant Classification Sherloc (09022015). Collection method: clinical testing. Allele origin: germline.
Comment: This sequence change replaces tyrosine, which is neutral and polar, with histidine, which is basic and polar, at codon 1285 of the C5 protein (p.Tyr1285His). This variant is present in population databases (rs754685328, gnomAD 0.06%). This variant has not been reported in the literature in individuals affected with C5-related conditions. ClinVar contains an entry for this variant (Variation ID: 1354219). Advanced modeling of protein sequence and biophysical properties (such as structural, functional, and spatial information, amino acid conservation, physicochemical variation, residue mobility, and thermodynamic stability) performed at Invitae indicates that this missense variant is not expected to disrupt C5 protein function. In summary, the available evidence is currently insufficient to determine the role of this variant in disease. Therefore, it has been classified as a Variant of Uncertain Significance.

NM_001735.3(C5):c.3853T>C (p.Tyr1285His)

Gene: C5 (complement C5; minus strand). Cytogenetic location: 9q33.2.
Variant type: single nucleotide variant.
Coding change: c.3853T>C on transcript NM_001735.3 (MANE Select); coding-DNA position 3853, T replaced by C.
Protein change: p.Tyr1285His; replaces tyrosine 1285 with histidine.
Molecular consequence: missense variant.
Genome position (GRCh38, 1-based): chr9:120,976,711, A>G on the plus strand (T>C on the coding strand, the complement: C5 is on the minus strand). VCF-style: chr9-120976711-A-G. GRCh37 (hg19) VCF-style: chr9-123738989-A-G.
Other names: c.3871T>C, p.Tyr1291His (NM_001317163.2); short protein forms Y1285H, Y1291H.
Identifiers: ClinVar variation 1354219 (VCV001354219.4), dbSNP rs754685328, ClinGen allele CA5217381.